The following is an entry in ClinVar:

NM_001009944.3(PKD1):c.1422_1439dup (p.Pro480_Ala481insGlyValGluValGlyPro)

Gene: PKD1 (polycystin 1, transient receptor potential channel interacting; minus strand). Cytogenetic location: 16p13.3.
Variant type: Duplication.
Coding change: c.1422_1439dup on transcript NM_001009944.3 (MANE Select); coding-DNA positions 1422 to 1439, 18 bases duplicated (GGGGGTGGAGGTGGGCCC).
Protein change: p.Pro480_Ala481insGlyValGluValGlyPro.
Molecular consequence: inframe insertion. On other transcripts: inframe indel (1).
Genome position (GRCh38, 1-based): chr16:2,117,000-2,117,017, GGGCCCACCTCCACCCCC duplicated on the plus strand (GGGGGTGGAGGTGGGCCC on the coding strand, the reverse complement: PKD1 is on the minus strand). VCF-style (leftmost placement, unchanged base first): chr16-2116999-T-TGGGCCCACCTCCACCCCC. GRCh37 (hg19) VCF-style: chr16-2167000-T-TGGGCCCACCTCCACCCCC.
Other names: c.1422_1439dup, p.Pro480_Ala481insGlyValGluValGlyPro (NM_000296.4); c.1422_1439dup18 (NM_001009944.2).
Identifiers: ClinVar variation 4983632 (VCV004983632.1).

ClinVar aggregate classification (germline): Uncertain significance (1 of 4 stars; one submission).

Conditions:
PKD1-related disorder. Also called: PKD1-related condition.

Submission:

PreventionGenetics, part of Exact Sciences
Classification: Uncertain significance for PKD1-related condition. Last evaluated: 2026-01-12. Review status: criteria provided, single submitter. Criteria: ACMG Guidelines, 2015. Collection method: clinical testing. Allele origin: germline.
Comment: The PKD1 c.1422_1439dup18 variant is predicted to result in an in-frame duplication (p.Gly475_Pro480dup). To our knowledge, this variant has not been reported in the literature or in a large population database (gnomAD), indicating this variant is rare. Of note, small in-frame deletions or duplications in PKD1 were commonly reported to be pathogenic for autosomal dominant polycystic kidney disease (ADPKD). Although we suspect that this variant may be pathogenic, at this time, the clinical significance of this variant is uncertain due to the absence of conclusive functional and genetic evidence.